The following is an entry in ClinVar:

NM_000435.3(NOTCH3):c.593C>T (p.Ala198Val)

Gene: NOTCH3 (notch receptor 3; minus strand). Cytogenetic location: 19p13.12.
Variant type: single nucleotide variant.
Coding change: c.593C>T on transcript NM_000435.3 (MANE Select); coding-DNA position 593, C replaced by T.
Protein change: p.Ala198Val; replaces alanine 198 with valine.
Molecular consequence: missense variant.
Genome position (GRCh38, 1-based): chr19:15,192,046, G>A on the plus strand (C>T on the coding strand, the complement: NOTCH3 is on the minus strand). VCF-style: chr19-15192046-G-A. GRCh37 (hg19) VCF-style: chr19-15302857-G-A.
Other names: short protein forms A198V.
Identifiers: ClinVar variation 890925 (VCV000890925.14), dbSNP rs140914494, ClinGen allele CA9263857.
Genomic context (GRCh38, chr19:15,192,046, plus strand): 5'-AGGTCGCCACTCTGCCTGCAGGTGCCCCCGTTACGGCATGGTGAGGGTGCACAGGGCACC[G>A]CGGGGTTCTCACATAGTGGCCCTGTGTAGCCAGCTGGACACTGGCAGCGGAAGGAGCCAG-3'
Protein context (NP_000426.2, residues 188-208): GYTGPLCENP[Ala198Val]VPCAPSPCRN

ClinVar aggregate classification (germline): Benign/Likely benign. Review status: criteria provided, multiple submitters, no conflicts (2 of 4 stars). 3 submissions from 3 submitters: Benign (1); Likely benign (2). Last evaluated 2025-10-01.

Conditions:
Cerebral arteriopathy, autosomal dominant, with subcortical infarcts and leukoencephalopathy, type 1 (CADASIL1). Also called: CADASIL 1; DEMENTIA, HEREDITARY MULTIINFARCT TYPE; CASIL; Cerebral arteriopathy with subcortical infarcts and leukoencephalopathy 1. Identifiers: Orphanet 136, MedGen C4551768, MONDO:0000914, OMIM 125310.

Allele frequency attached by ClinVar (database versions not stated): TOPMed 0.00002; ExAC 0.00006; ESP Exome Variant Server 0.00015; 1000 Genomes Project 0.00020; 1000 Genomes Project 30x 0.00031.
gnomAD v4.1: 110 of 1,613,070 alleles (0.0068%); highest among the groups gnomAD compares: East Asian, 0.045%; no homozygotes.

Submissions (3):

CeGaT Center for Human Genetics Tuebingen
Classification: Likely benign. Last evaluated: 2025-10-01. Review status: criteria provided, single submitter. Criteria: CeGaT Center For Human Genetics Tuebingen Variant Classification Criteria Version 2. Collection method: clinical testing. Allele origin: germline. Affected: yes. Observed: 1 variant allele.
Comment: NOTCH3: BP4

Labcorp Genetics (formerly Invitae), Labcorp
Classification: Likely benign. Last evaluated: 2022-03-11. Review status: criteria provided, single submitter. Criteria: Invitae Variant Classification Sherloc (09022015). Collection method: clinical testing. Allele origin: germline.

Illumina Laboratory Services, Illumina
Classification: Benign for Cerebral arteriopathy, autosomal dominant, with subcortical infarcts and leukoencephalopathy, type 1. Last evaluated: 2018-01-12. Review status: criteria provided, single submitter. Criteria: ICSL Variant Classification Criteria 13 December 2019. Collection method: clinical testing. Allele origin: germline.
Comment: This variant was observed in the ICSL laboratory as part of a predisposition screen in an ostensibly healthy population. It had not been previously curated by ICSL or reported in the Human Gene Mutation Database (HGMD: prior to June 1st, 2018), and was therefore a candidate for classification through an automated scoring system. Utilizing variant allele frequency, disease prevalence and penetrance estimates, and inheritance mode, an automated score was calculated to assess if this variant is too frequent to cause the disease. Based on the score and internal cut-off values, a variant classified as benign is not then subjected to further curation. The score for this variant resulted in a classification of benign for this disease.